The following is an entry in ClinVar:

NM_002451.4(MTAP):c.*707A>G

Gene: MTAP (methylthioadenosine phosphorylase; plus strand). Cytogenetic location: 9p21.3.
Variant type: single nucleotide variant.
Coding change: c.*707A>G on transcript NM_002451.4 (MANE Select); 707 bases downstream of the stop codon, A replaced by G.
Molecular consequence: 3 prime UTR variant.
Genome position (GRCh38, 1-based): chr9:21,862,721, A>G. VCF-style: chr9-21862721-A-G. GRCh37 (hg19) VCF-style: chr9-21862720-A-G.
Identifiers: ClinVar variation 366264 (VCV000366264.5), dbSNP rs138936486, ClinGen allele CA10633236.

ClinVar aggregate classification (germline): Benign (1 of 4 stars; one submission).

Conditions:
Diaphyseal medullary stenosis-bone malignancy syndrome. Also called: MYOPATHY, LIMB-GIRDLE, WITH BONE FRAGILITY; BONE DYSPLASIA WITH MALIGNANT FIBROUS HISTIOCYTOMA; BONE DYSPLASIA WITH MEDULLARY FIBROSARCOMA. Identifiers: Orphanet 85182, MedGen C1862177, MONDO:0007205, OMIM 112250.

Allele frequency attached by ClinVar (database versions not stated): 1000 Genomes Project 30x 0.00187; TOPMed 0.00232; gnomAD 0.00266 and 0.00275; 1000 Genomes Project 0.00300; gnomAD exomes 0.00410.
gnomAD v4.1: 432 of 158,848 alleles (0.27%); highest among the groups gnomAD compares: Non-Finnish European, 0.4%; 3 homozygotes.

Submission:

Illumina Laboratory Services, Illumina
Classification: Benign for Diaphyseal medullary stenosis-bone malignancy syndrome. Last evaluated: 2018-01-12. Review status: criteria provided, single submitter. Criteria: ICSL Variant Classification Criteria 13 December 2019. Collection method: clinical testing. Allele origin: germline.
Comment: This variant was observed in the ICSL laboratory as part of a predisposition screen in an ostensibly healthy population. It had not been previously curated by ICSL or reported in the Human Gene Mutation Database (HGMD: prior to June 1st, 2018), and was therefore a candidate for classification through an automated scoring system. Utilizing variant allele frequency, disease prevalence and penetrance estimates, and inheritance mode, an automated score was calculated to assess if this variant is too frequent to cause the disease. Based on the score and internal cut-off values, a variant classified as benign is not then subjected to further curation. The score for this variant resulted in a classification of benign for this disease.